The following is an entry in ClinVar:

NM_016599.5(MYOZ2):c.303_304delinsTT (p.Gln102Ter)

Gene: MYOZ2 (myozenin 2; plus strand). Cytogenetic location: 4q26.
Variant type: Indel.
Coding change: c.303_304delinsTT on transcript NM_016599.5 (MANE Select); coding-DNA positions 303 to 304, GC replaced by TT.
Protein change: p.Gln102Ter; replaces glutamine 102 with a stop codon.
Molecular consequence: nonsense.
Genome position (GRCh38, 1-based): chr4:119,158,078-119,158,079, GC replaced by TT. VCF-style: chr4-119158078-GC-TT. GRCh37 (hg19) VCF-style: chr4-120079233-GC-TT.
Other names: c.303_304delinsTT, p.Gln102Ter (NM_001440645.1, NM_001440646.1); short protein forms Q102*.
Identifiers: ClinVar variation 4809060 (VCV004809060.1).
Genomic context (GRCh38, chr4:119,158,078, plus strand): 5'-ACAGCACAGTATTGCTATGCAGAATGGGAAAGTGGATGGAAGTAACTTGGAAGGTGGTTC[GC>TT]AGCAAGCCCCCTTGACTCCTCCCAACACCCCAGATCCACGAAGCCCTCCAAATCCAGACA-3'

ClinVar aggregate classification (germline): Uncertain significance (1 of 4 stars; one submission).

Conditions:
Hypertrophic cardiomyopathy. Also called: HYPERTROPHIC MYOCARDIOPATHY. Identifiers: Orphanet 217569, MedGen C0007194, MeSH D002312, MONDO:0005045, HP:0001639.

Submission:

Labcorp Genetics (formerly Invitae), Labcorp
Classification: Uncertain significance for Hypertrophic cardiomyopathy. Last evaluated: 2025-12-22. Review status: criteria provided, single submitter. Criteria: Invitae Variant Classification Sherloc (09022015). Collection method: clinical testing. Allele origin: germline.
Comment: This sequence change creates a premature translational stop signal (p.Gln102*) in the MYOZ2 gene. It is expected to result in an absent or disrupted protein product. However, the current clinical and genetic evidence is not sufficient to establish whether loss-of-function variants in MYOZ2 cause disease. Information on the frequency of this variant in the gnomAD database is not available, as this variant may be reported differently in the database. This variant has not been reported in the literature in individuals affected with MYOZ2-related conditions. In summary, the available evidence is currently insufficient to determine the role of this variant in disease. Therefore, it has been classified as a Variant of Uncertain Significance.